The following is an entry in ClinVar:

NM_001018005.2(TPM1):c.568T>C (p.Cys190Arg)

Gene: TPM1 (tropomyosin 1; plus strand). Cytogenetic location: 15q22.2.
Variant type: single nucleotide variant.
Coding change: c.568T>C on transcript NM_001018005.2 (MANE Select); coding-DNA position 568, T replaced by C.
Protein change: p.Cys190Arg; replaces cysteine 190 with arginine.
Molecular consequence: missense variant. On other transcripts: intron variant (6).
Genome position (GRCh38, 1-based): chr15:63,061,717, T>C. VCF-style: chr15-63061717-T-C. GRCh37 (hg19) VCF-style: chr15-63353916-T-C.
Other names: c.568T>C, p.Cys190Arg (NM_001018004.2, NM_001018007.2, NM_001301244.2 and 3 more transcripts); c.460T>C, p.Cys154Arg (NM_001018008.2, NM_001301289.2, NM_001330346.2 and 2 more transcripts); c.694T>C, p.Cys232Arg (NM_001365778.1); c.639+444T>C (NM_001018020.2, NM_001018006.2, NM_000366.6); c.531+444T>C (NM_001330351.2, NM_001330344.2, NM_001365781.2); short protein forms C190R, C232R, C154R.
Identifiers: ClinVar variation 1749075 (VCV001749075.5), dbSNP rs730881139, ClinGen allele CA018186.

ClinVar aggregate classification (germline): Uncertain significance. Review status: criteria provided, multiple submitters, no conflicts (2 of 4 stars). 3 submissions from 3 submitters: Uncertain significance (3). Last evaluated 2025-08-13.

Conditions:
Cardiomyopathy (CMYO). Also called: Cardiomyopathies. Identifiers: Orphanet 167848, MedGen C0878544, MONDO:0004994, HP:0001638. Inheritance: Various modes of inheritance.
Cardiovascular phenotype. Identifiers: MedGen CN230736.
Hypertrophic cardiomyopathy. Also called: HYPERTROPHIC MYOCARDIOPATHY. Identifiers: Orphanet 217569, MedGen C0007194, MeSH D002312, MONDO:0005045, HP:0001639.

Submissions (3):

Labcorp Genetics (formerly Invitae), Labcorp
Classification: Uncertain significance for Hypertrophic cardiomyopathy. Last evaluated: 2025-08-13. Review status: criteria provided, single submitter. Criteria: Invitae Variant Classification Sherloc (09022015). Collection method: clinical testing. Allele origin: germline.
Comment: This sequence change replaces cysteine, which is neutral and slightly polar, with arginine, which is basic and polar, at codon 190 of the TPM1 protein (p.Cys190Arg). This variant is not present in population databases (gnomAD no frequency). This missense change has been observed in individual(s) with hypertrophic cardiomyopathy (PMID: 33673806). ClinVar contains an entry for this variant (Variation ID: 1749075). An algorithm developed to predict the effect of missense changes on protein structure and function (PolyPhen-2) suggests that this variant is likely to be disruptive. In summary, the available evidence is currently insufficient to determine the role of this variant in disease. Therefore, it has been classified as a Variant of Uncertain Significance.

Color Diagnostics, LLC DBA Color Health
Classification: Uncertain significance for Cardiomyopathy. Last evaluated: 2025-05-26. Review status: criteria provided, single submitter. Criteria: ACMG Guidelines, 2015. Collection method: clinical testing. Allele origin: germline.
Comment: This missense variant replaces cysteine with arginine at codon 190 of the TPM1 protein. Computational prediction suggests that this variant may have a deleterious impact on protein structure and function. To our knowledge, functional studies have not been reported for this variant. This variant has been reported in an individual affected with hypertrophic cardiomyopathy (PMID: 33673806) This variant has not been identified in the general population by the Genome Aggregation Database (gnomAD). The available evidence is insufficient to determine the role of this variant in disease conclusively. Therefore, this variant is classified as a Variant of Uncertain Significance.

Ambry Genetics
Classification: Uncertain significance for Cardiovascular phenotype. Last evaluated: 2022-07-11. Review status: criteria provided, single submitter. Criteria: Ambry Variant Classification Scheme 2023. Collection method: clinical testing. Allele origin: germline.
Comment: The p.C190R variant (also known as c.568T>C), located in coding exon 6 of the TPM1 gene, results from a T to C substitution at nucleotide position 568. The cysteine at codon 190 is replaced by arginine, an amino acid with highly dissimilar properties. This alteration has been reported in a hypertrophic cardiomyopathy genetic testing cohort; however, clinical details were limited (Hathaway J et al. BMC Cardiovasc Disord, 2021 03;21:126). This amino acid position is highly conserved in available vertebrate species. In addition, this alteration is predicted to be deleterious by in silico analysis. Since supporting evidence is limited at this time, the clinical significance of this alteration remains unclear.

Literature cited by the submitters: PubMed 33673806 (cited by 3 submitters).